The following is an entry in ClinVar:

ClinVar aggregate classification (germline): Uncertain significance (1 of 4 stars; one submission).

Submission:

CeGaT Center for Human Genetics Tuebingen
Classification: Uncertain significance. Last evaluated: 2022-12-01. Review status: criteria provided, single submitter. Criteria: CeGaT Center For Human Genetics Tuebingen Variant Classification Criteria Version 2. Collection method: clinical testing. Allele origin: germline. Affected: yes. Observed: 1 variant allele.
Comment: DYNC1H1: PM2, BP4

NM_001376.5(DYNC1H1):c.11795C>A (p.Ala3932Glu)

Gene: DYNC1H1 (dynein cytoplasmic 1 heavy chain 1; plus strand). Cytogenetic location: 14q32.31.
Variant type: single nucleotide variant.
Coding change: c.11795C>A on transcript NM_001376.5 (MANE Select); coding-DNA position 11795, C replaced by A.
Protein change: p.Ala3932Glu; replaces alanine 3932 with glutamic acid.
Molecular consequence: missense variant.
Genome position (GRCh38, 1-based): chr14:102,040,340, C>A. VCF-style: chr14-102040340-C-A. GRCh37 (hg19) VCF-style: chr14-102506677-C-A.
Other names: short protein forms A3932E.
Identifiers: ClinVar variation 2644571 (VCV002644571.24), dbSNP rs752716582, ClinGen allele CA391036829.